The following is an entry in ClinVar:

NM_000090.4(COL3A1):c.2284G>T (p.Gly762Cys)

Gene: COL3A1 (collagen type III alpha 1 chain; plus strand). Cytogenetic location: 2q32.2.
Variant type: single nucleotide variant.
Coding change: c.2284G>T on transcript NM_000090.4 (MANE Select); coding-DNA position 2284, G replaced by T.
Protein change: p.Gly762Cys; replaces glycine 762 with cysteine.
Molecular consequence: missense variant.
Genome position (GRCh38, 1-based): chr2:189,001,397, G>T. VCF-style: chr2-189001397-G-T. GRCh37 (hg19) VCF-style: chr2-189866123-G-T.
Other names: short protein forms G762C.
Identifiers: ClinVar variation 1788993 (VCV001788993.2), dbSNP rs587779694, ClinGen allele CA349842344.

ClinVar aggregate classification (germline): Likely pathogenic (1 of 4 stars; one submission).

Conditions:
Familial thoracic aortic aneurysm and aortic dissection (TAAD). Also called: Thoracic aortic aneurysms and dissections. Identifiers: Orphanet 91387, MedGen C4707243, MONDO:0019625.

Submission:

Ambry Genetics
Classification: Likely pathogenic for Familial thoracic aortic aneurysm and aortic dissection. Last evaluated: 2022-10-12. Review status: criteria provided, single submitter. Criteria: Ambry Variant Classification Scheme 2023. Collection method: clinical testing. Allele origin: germline.
Comment: The p.G762C variant (also known as c.2284G>T) is located in coding exon 33 of the COL3A1 gene. The glycine at codon 762 is replaced by cysteine, an amino acid with highly dissimilar properties. This change occurs in the first base pair of coding exon 33. The majority (approximately two-thirds) of COL3A1 mutations identified to date have involved the substitution of another amino acid for glycine within the triple-helical domain (Pepin MG et al. Genet Med. 2014;16(12):881-8; Frank M et al. Eur J Hum Genet. 2015;23(12):1657-64). This variant (referred to as Gly595Cys) has been detected in an individual with some clinical features consistent with vascular Ehlers-Danlos syndrome and reduced procollagen III secretion in assays of cultured fibroblasts (Mackay K et al. Clin Genet, 1996 Jun;49:286-95). Internal structural analysis indicates that this alteration disrupts the characteristic G-X-Y motif in the COL3A1 protein and inserts a bulky side chain into a sterically-constrained region (Bella J et al. Science. 1994;266:75-81; Hohenester E et al. Proc. Natl. Acad. Sci. U.S.A. 2008;105:18273-7; Ambry internal data). This variant is considered to be rare based on population cohorts in the Genome Aggregation Database (gnomAD). This amino acid position is highly conserved in available vertebrate species. In addition, this alteration is predicted to be deleterious by in silico analysis. Based on the majority of available evidence to date, this variant is likely to be pathogenic.

Literature cited by the submitters: PubMed 8884076.